The following is an entry in ClinVar:

ClinVar aggregate classification (germline): Uncertain significance. Review status: criteria provided, multiple submitters, no conflicts (2 of 4 stars). 5 submissions from 5 submitters: Uncertain significance (5). Last evaluated 2025-08-11.

Conditions:
Classic or attenuated familial adenomatous polyposis. Identifiers: MedGen CN372698, MONDO:0021057.
Hereditary cancer-predisposing syndrome. Also called: Hereditary neoplastic syndrome; Neoplastic Syndromes, Hereditary; Tumor predisposition; Hereditary Cancer Syndrome. Identifiers: Orphanet 140162, MedGen C0027672, MeSH D009386, MONDO:0015356.
Familial adenomatous polyposis 1 (FAP1). Also called: FAMILIAL ADENOMATOUS POLYPOSIS 1, ATTENUATED; POLYPOSIS, ADENOMATOUS INTESTINAL. Identifiers: MedGen C2713442, MONDO:0021056, OMIM 175100. Disease mechanism: loss of function.

Allele frequency attached by ClinVar (database versions not stated): gnomAD exomes 0.00001.
gnomAD v4.1: 9 of 1,614,092 alleles (0.00056%); highest among the groups gnomAD compares: Non-Finnish European, 0.00076%; no homozygotes.

Submissions (5):

Labcorp Genetics (formerly Invitae), Labcorp
Classification: Uncertain significance for Familial adenomatous polyposis 1. Last evaluated: 2025-08-11. Review status: criteria provided, single submitter. Criteria: Invitae Variant Classification Sherloc (09022015). Collection method: clinical testing. Allele origin: germline.
Comment: This sequence change replaces leucine, which is neutral and non-polar, with serine, which is neutral and polar, at codon 1488 of the APC protein (p.Leu1488Ser). This variant is not present in population databases (gnomAD no frequency). This variant has not been reported in the literature in individuals affected with APC-related conditions. ClinVar contains an entry for this variant (Variation ID: 185626). Invitae Evidence Modeling of protein sequence and biophysical properties (such as structural, functional, and spatial information, amino acid conservation, physicochemical variation, residue mobility, and thermodynamic stability) indicates that this missense variant is not expected to disrupt APC protein function with a negative predictive value of 95%. In summary, the available evidence is currently insufficient to determine the role of this variant in disease. Therefore, it has been classified as a Variant of Uncertain Significance.

Ambry Genetics
Classification: Uncertain significance for Hereditary cancer-predisposing syndrome. Last evaluated: 2024-07-05. Review status: criteria provided, single submitter. Criteria: Ambry Variant Classification Scheme 2023. Collection method: clinical testing. Allele origin: germline.
Comment: The p.L1488S variant (also known as c.4463T>C), located in coding exon 15 of the APC gene, results from a T to C substitution at nucleotide position 4463. The leucine at codon 1488 is replaced by serine, an amino acid with dissimilar properties. This amino acid position is highly conserved in available vertebrate species. In addition, in silico predictors for this gene do not accurately predict pathogenicity. Since supporting evidence is limited at this time, the clinical significance of this alteration remains unclear.

Baylor Genetics
Classification: Uncertain significance for Familial adenomatous polyposis 1. Last evaluated: 2023-11-28. Review status: criteria provided, single submitter. Criteria: ACMG Guidelines, 2015. Collection method: clinical testing. Allele origin: unknown.

All of Us Research Program, National Institutes of Health
Classification: Uncertain significance for Classic or attenuated familial adenomatous polyposis. Last evaluated: 2023-08-15. Review status: criteria provided, single submitter. Criteria: ACMG Guidelines, 2015. Collection method: clinical testing. Allele origin: germline. Inheritance: Autosomal dominant inheritance. Observed: 1 variant allele, 1 heterozygote.
Comment: This study involves interpretation of variants in research participants for the purpose of population health screening. Participant phenotype was not available at the time of variant classification. Additional details can be found in publication PMID: 35346344, PMCID: PMC8962531

GeneDx
Classification: Uncertain significance. Last evaluated: 2023-07-18. Review status: criteria provided, single submitter. Criteria: GeneDx Variant Classification Process June 2021. Collection method: clinical testing. Allele origin: germline. Affected: yes.
Comment: Not observed at significant frequency in large population cohorts (gnomAD); In silico analysis supports that this missense variant does not alter protein structure/function; Observed in patients with colorectal cancer (Afanador et al., 2022); This variant is associated with the following publications: (PMID: 18199528, 35866738)

NM_000038.6(APC):c.4463T>C (p.Leu1488Ser)

Gene: APC (APC regulator of Wnt signaling pathway; plus strand). Cytogenetic location: 5q22.2.
Variant type: single nucleotide variant.
Coding change: c.4463T>C on transcript NM_000038.6 (MANE Select); coding-DNA position 4463, T replaced by C.
Protein change: p.Leu1488Ser; replaces leucine 1488 with serine.
Molecular consequence: missense variant.
Genome position (GRCh38, 1-based): chr5:112,840,057, T>C. VCF-style: chr5-112840057-T-C. GRCh37 (hg19) VCF-style: chr5-112175754-T-C.
Other names: c.4463T>C, p.Leu1488Ser (NM_001127510.3, NM_001354895.2); c.4409T>C, p.Leu1470Ser (NM_001127511.3); c.4517T>C, p.Leu1506Ser (NM_001354896.2); c.4493T>C, p.Leu1498Ser (NM_001354897.2); c.4388T>C, p.Leu1463Ser (NM_001354898.2); c.4379T>C, p.Leu1460Ser (NM_001354899.2); c.4340T>C, p.Leu1447Ser (NM_001354900.2); c.4286T>C, p.Leu1429Ser (NM_001354901.2); and 5 more; short protein forms L1470S, L1488S, L1460S, L1429S, L1463S, L1506S, L1205S, L1397S.
Identifiers: ClinVar variation 185626 (VCV000185626.18), dbSNP rs786202324, ClinGen allele CA009561.
Genomic context (GRCh38, chr5:112,840,057, plus strand): 5'-AGCAAGCTGCAGTAAATGCTGCAGTTCAGAGGGTCCAGGTTCTTCCAGATGCTGATACTT[T>C]ATTACATTTTGCCACGGAAAGTACTCCAGATGGATTTTCTTGTTCATCCAGCCTGAGTGC-3'
Protein context (NP_000029.2, residues 1478-1498): RVQVLPDADT[Leu1488Ser]LHFATESTPD